The following is an entry in ClinVar:

NM_006073.4(TRDN):c.990A>G (p.Lys330=)

Gene: TRDN (triadin; minus strand). Cytogenetic location: 6q22.31.
Variant type: single nucleotide variant.
Coding change: c.990A>G on transcript NM_006073.4 (MANE Select); coding-DNA position 990, A replaced by G.
Protein change: p.Lys330=; no amino-acid change (lysine 330 retained).
Molecular consequence: synonymous variant.
Genome position (GRCh38, 1-based): chr6:123,438,945, T>C on the plus strand (A>G on the coding strand, the complement: TRDN is on the minus strand). VCF-style: chr6-123438945-T-C. GRCh37 (hg19) VCF-style: chr6-123760090-T-C.
Other names: c.990A>G, p.Lys330= (NM_001251987.2); c.990A>G (NM_006073.2).
Identifiers: ClinVar variation 930169 (VCV000930169.12), dbSNP rs941068115, ClinGen allele CA147271012.
Genomic context (GRCh38, chr6:123,438,945, plus strand): 5'-GTAGTATTATGCATGGACACTAATTGATTTATGTGGTACATGGCTTTTAAATTTCCTACC[T>C]TTCTTTTTTGTTTCAGAAGTAACTTTCTTCTCAGCCTTCTTCTTTTCCCCTTCTTTTTCT-3'
Protein context (NP_006064.2, residues 320-340): EKKVTSETKK[Lys330=]EKEDIKKKSE

ClinVar aggregate classification (germline): Uncertain significance. Review status: criteria provided, multiple submitters, no conflicts (2 of 4 stars). 4 submissions from 4 submitters: Uncertain significance (4). Last evaluated 2025-12-12.

Conditions:
Catecholaminergic polymorphic ventricular tachycardia 1. Also called: VENTRICULAR TACHYCARDIA, CATECHOLAMINERGIC POLYMORPHIC, 1, WITH OR WITHOUT ATRIAL DYSFUNCTION AND/OR DILATED CARDIOMYOPATHY; VENTRICULAR TACHYCARDIA, STRESS-INDUCED POLYMORPHIC 1; RYR2-Related Catecholaminergic Polymorphic Ventricular Tachycardia. Identifiers: Orphanet 3286, MedGen C1631597, MONDO:0011484, OMIM 604772.
Cardiovascular phenotype. Identifiers: MedGen CN230736.

Allele frequency attached by ClinVar (database versions not stated): gnomAD 0.00001 and 0.00002; gnomAD exomes 0.00001; TOPMed 0.00003.
gnomAD v4.1: 18 of 1,559,290 alleles (0.0012%); highest among the groups gnomAD compares: Non-Finnish European, 0.0012%; no homozygotes.

Submissions (4):

GeneDx
Classification: Uncertain significance. Last evaluated: 2025-12-12. Review status: criteria provided, single submitter. Criteria: GeneDx Variant Classification Process June 2021. Collection method: clinical testing. Allele origin: germline. Affected: yes.
Comment: Not observed at significant frequency in large population cohorts (gnomAD); In silico analysis supports a deleterious effect on splicing; Has not been previously published as pathogenic or benign to our knowledge

Ambry Genetics
Classification: Uncertain significance for Cardiovascular phenotype. Last evaluated: 2024-03-11. Review status: criteria provided, single submitter. Criteria: Ambry Variant Classification Scheme 2023. Collection method: clinical testing. Allele origin: germline.
Comment: The c.990A>G variant (also known as p.K330K), located in coding exon 11 of the TRDN gene, results from an A to G substitution at nucleotide position 990. This nucleotide substitution does not change the lysine at codon 330. This nucleotide position is highly conserved in available vertebrate species. In silico splice site analysis predicts that this alteration will weaken the native splice donor site. Based on the available evidence, the clinical significance of this alteration remains unclear.

Labcorp Genetics (formerly Invitae), Labcorp
Classification: Uncertain significance for Catecholaminergic polymorphic ventricular tachycardia 1. Last evaluated: 2021-08-05. Review status: criteria provided, single submitter. Criteria: Invitae Variant Classification Sherloc (09022015). Collection method: clinical testing. Allele origin: germline.
Comment: This sequence change affects codon 330 of the TRDN mRNA. It is a 'silent' change, meaning that it does not change the encoded amino acid sequence of the TRDN protein. It affects a nucleotide within the consensus splice site of the intron. This variant is not present in population databases (ExAC no frequency). This variant has not been reported in the literature in individuals affected with TRDN-related conditions. ClinVar contains an entry for this variant (Variation ID: 930169). Algorithms developed to predict the effect of sequence changes on RNA splicing suggest that this variant may disrupt the consensus splice site. In summary, the available evidence is currently insufficient to determine the role of this variant in disease. Therefore, it has been classified as a Variant of Uncertain Significance.

Laboratory for Molecular Medicine, Mass General Brigham Personalized Medicine
Classification: Uncertain significance. Last evaluated: 2019-07-23. Review status: criteria provided, single submitter. Criteria: LMM Criteria. Collection method: clinical testing. Allele origin: germline. Observed: 1 variant allele.
Comment: Variant classified as Uncertain Significance - Favor Benign. The p.Lys330Lys variant in TRDN has not been previously reported in individuals with CPVT but has been identified in 0.002% (2/87090) of European chromosomes by gnomAD. Although this variant does not alter an amino acid residue, it is located in the second to last base of the exon, which is part of the 5â€™ splice region. Computational tools do not suggest a strong splice impact; however, this information is not predictive enough to rule out pathogenicity. In summary, while the clinical significance of this variant is uncertain, these data suggest that it is more likely to be benign. ACMG/AMP Criteria applied: PM2, BP4.